The following is an entry in ClinVar:

NM_000612.6(IGF2):c.-7+1G>A

Genes: IGF2 (insulin like growth factor 2; minus strand), INS-IGF2 (INS-IGF2 readthrough; minus strand). Cytogenetic location: 11p15.5.
Variant type: single nucleotide variant.
Coding change: c.-7+1G>A on transcript NM_000612.6 (MANE Select); the canonical splice donor site of the intron after 7 bases upstream of the start codon, G replaced by A.
Molecular consequence: splice donor variant. On other transcripts: intron variant (3).
Genome position (GRCh38, 1-based): chr11:2,138,228, C>T on the plus strand (G>A on the coding strand, the complement: IGF2 is on the minus strand). VCF-style: chr11-2138228-C-T. GRCh37 (hg19) VCF-style: chr11-2159458-C-T.
Other names: c.-6-2699G>A (NM_001007139.6); c.-7+2629G>A (NM_001291862.3); c.162+1907G>A (NM_001127598.3).
Identifiers: ClinVar variation 5017705 (VCV005017705.1).

ClinVar aggregate classification (germline): Uncertain significance (1 of 4 stars; one submission).

Submission:

GeneDx
Classification: Uncertain significance. Last evaluated: 2026-03-27. Review status: criteria provided, single submitter. Criteria: GeneDx Variant Classification Process June 2021. Collection method: clinical testing. Allele origin: germline.
Comment: In silico analysis supports a deleterious effect on splicing; Has not been previously published as pathogenic or benign to our knowledge; No data available from control populations to assess the frequency of this variant